The following is an entry in ClinVar:

ClinVar aggregate classification (germline): Uncertain significance (1 of 4 stars; one submission).

Conditions:
Inborn genetic diseases. Identifiers: MedGen C0950123, MeSH D030342.

Allele frequency attached by ClinVar (database versions not stated): TOPMed below 0.00001.

Submission:

Ambry Genetics
Classification: Uncertain significance for Inborn genetic diseases. Last evaluated: 2023-06-11. Review status: criteria provided, single submitter. Criteria: Ambry Variant Classification Scheme 2023. Collection method: clinical testing. Allele origin: germline.
Comment: The p.V19L variant (also known as c.55G>C), located in coding exon 1 of the SMAD6 gene, results from a G to C substitution at nucleotide position 55. The valine at codon 19 is replaced by leucine, an amino acid with highly similar properties. This amino acid position is conserved. In addition, this alteration is predicted to be tolerated by in silico analysis. Since supporting evidence is limited at this time, the clinical significance of this alteration remains unclear.

NM_005585.5(SMAD6):c.55G>C (p.Val19Leu)

Gene: SMAD6 (SMAD family member 6; plus strand). Cytogenetic location: 15q22.31.
Variant type: single nucleotide variant.
Coding change: c.55G>C on transcript NM_005585.5 (MANE Select); coding-DNA position 55, G replaced by C.
Protein change: p.Val19Leu; replaces valine 19 with leucine.
Molecular consequence: missense variant. On other transcripts: non-coding transcript variant (1).
Genome position (GRCh38, 1-based): chr15:66,703,313, G>C. VCF-style: chr15-66703313-G-C. GRCh37 (hg19) VCF-style: chr15-66995651-G-C.
Other names: short protein forms V19L.
Identifiers: ClinVar variation 2568138 (VCV002568138.2), dbSNP rs1210695230, ClinGen allele CA392948395.
Genomic context (GRCh38, chr15:66,703,313, plus strand): 5'-TATCGTATGTTCAGGTCCAAACGCTCGGGGCTGGTGCGGCGACTTTGGCGAAGTCGTGTG[G>C]TCCCCGACCGGGAGGAAGGCGGCAGCGGCGGCGGCGGTGGCGGCGACGAGGATGGGAGCT-3'
Protein context (NP_005576.3, residues 9-29): LVRRLWRSRV[Val19Leu]PDREEGGSGG